The following is an entry in ClinVar:

NM_021831.6(AGBL5):c.1240G>A (p.Glu414Lys)

Gene: AGBL5 (AGBL carboxypeptidase 5; plus strand). Cytogenetic location: 2p23.3.
Variant type: single nucleotide variant.
Coding change: c.1240G>A on transcript NM_021831.6 (MANE Select); coding-DNA position 1240, G replaced by A.
Protein change: p.Glu414Lys; replaces glutamic acid 414 with lysine.
Molecular consequence: missense variant. On other transcripts: non-coding transcript variant (2).
Genome position (GRCh38, 1-based): chr2:27,056,013, G>A. VCF-style: chr2-27056013-G-A. GRCh37 (hg19) VCF-style: chr2-27278881-G-A.
Other names: c.1240G>A, p.Glu414Lys (NM_001035507.3); short protein forms E414K.
Identifiers: ClinVar variation 1476837 (VCV001476837.5), dbSNP rs2148276835, ClinGen allele CA346180331.

ClinVar aggregate classification (germline): Uncertain significance (1 of 4 stars; one submission).

Submission:

Labcorp Genetics (formerly Invitae), Labcorp
Classification: Uncertain significance. Last evaluated: 2021-09-02. Review status: criteria provided, single submitter. Criteria: Invitae Variant Classification Sherloc (09022015). Collection method: clinical testing. Allele origin: germline.
Comment: This sequence change replaces glutamic acid with lysine at codon 414 of the AGBL5 protein (p.Glu414Lys). The glutamic acid residue is moderately conserved and there is a small physicochemical difference between glutamic acid and lysine. This variant is not present in population databases (ExAC no frequency). This variant has not been reported in the literature in individuals affected with AGBL5-related conditions. Algorithms developed to predict the effect of missense changes on protein structure and function (SIFT, PolyPhen-2, Align-GVGD) all suggest that this variant is likely to be tolerated. In summary, the available evidence is currently insufficient to determine the role of this variant in disease. Therefore, it has been classified as a Variant of Uncertain Significance.